The following is an entry in ClinVar:

NM_000138.5(FBN1):c.209G>T (p.Gly70Val)

Gene: FBN1 (fibrillin 1; minus strand). Cytogenetic location: 15q21.1.
Variant type: single nucleotide variant.
Coding change: c.209G>T on transcript NM_000138.5 (MANE Select); coding-DNA position 209, G replaced by T.
Protein change: p.Gly70Val; replaces glycine 70 with valine.
Molecular consequence: missense variant.
Genome position (GRCh38, 1-based): chr15:48,613,048, C>A on the plus strand (G>T on the coding strand, the complement: FBN1 is on the minus strand). VCF-style: chr15-48613048-C-A. GRCh37 (hg19) VCF-style: chr15-48905245-C-A.
Other names: c.209G>T, p.Gly70Val (NM_001406716.1, NM_001406717.1); short protein forms G70V.
Identifiers: ClinVar variation 1785867 (VCV001785867.7), dbSNP rs2505779180, ClinGen allele CA392448397.
Genomic context (GRCh38, chr15:48,613,048, plus strand): 5'-GACAAGTTTTCTATTTACTTACGGACAATACACTGATTTCCGCCAGGTAAGGTTTTCCAT[C>A]CAGGGCAACAGTAAGCATTATAACGTGATCCACAGACATTGGGTCTAAAACAAAAACAGA-3'
Protein context (NP_000129.3, residues 60-80): GSRYNAYCCP[Gly70Val]WKTLPGGNQC

ClinVar aggregate classification (germline): Conflicting classifications of pathogenicity. Review status: criteria provided, conflicting classifications (1 of 4 stars). 2 submissions from 2 submitters: Pathogenic (1); Uncertain significance (1). Last evaluated 2025-07-21.

Conditions:
Marfan syndrome (MFS). Also called: Marfan's syndrome; Marfan syndrome, classic; MARFAN SYNDROME, TYPE I; Marfan syndrome type 1; FBN1-Related Marfan Syndrome. Identifiers: Orphanet 284963, Orphanet 558, MedGen C0024796, MONDO:0007947, OMIM 154700.
Familial thoracic aortic aneurysm and aortic dissection (TAAD). Also called: Thoracic aortic aneurysms and dissections. Identifiers: Orphanet 91387, MedGen C4707243, MONDO:0019625.

Submissions (2):

Labcorp Genetics (formerly Invitae), Labcorp
Classification: Pathogenic for Marfan syndrome; Familial thoracic aortic aneurysm and aortic dissection. Last evaluated: 2025-07-21. Review status: criteria provided, single submitter. Criteria: Invitae Variant Classification Sherloc (09022015). Collection method: clinical testing. Allele origin: germline.
Comment: This sequence change replaces glycine, which is neutral and non-polar, with valine, which is neutral and non-polar, at codon 70 of the FBN1 protein (p.Gly70Val). This variant is not present in population databases (gnomAD no frequency). This missense change has been observed in individuals with clinical features of Marfan syndrome (PMID: 26272055; internal data). ClinVar contains an entry for this variant (Variation ID: 1785867). Invitae Evidence Modeling of protein sequence and biophysical properties (such as structural, functional, and spatial information, amino acid conservation, physicochemical variation, residue mobility, and thermodynamic stability) indicates that this missense variant is expected to disrupt FBN1 protein function with a positive predictive value of 95%. For these reasons, this variant has been classified as Pathogenic.

Ambry Genetics
Classification: Uncertain significance for Familial thoracic aortic aneurysm and aortic dissection. Last evaluated: 2020-05-13. Review status: criteria provided, single submitter. Criteria: Ambry Variant Classification Scheme 2023. Collection method: clinical testing. Allele origin: germline.
Comment: The p.G70V variant (also known as c.209G>T), located in coding exon 2 of the FBN1 gene, results from a G to T substitution at nucleotide position 209. The glycine at codon 70 is replaced by valine, an amino acid with dissimilar properties. This variant has been detected in an individual with aortic dissection from a non-syndromic thoracic aortic aneurysm and dissection cohort (Guo J et al. Sci Rep, 2015 Aug;5:13115). This amino acid position is highly conserved in available vertebrate species. In addition, this alteration is predicted to be deleterious by in silico analysis. Since supporting evidence is limited at this time, the clinical significance of this alteration remains unclear.

Literature cited by the submitters: PubMed 26272055 (cited by Labcorp Genetics (formerly Invitae), Labcorp and Ambry Genetics).